The following is an entry in ClinVar:

NM_002109.6(HARS1):c.1490A>C (p.Glu497Ala)

Gene: HARS1 (histidyl-tRNA synthetase 1; minus strand). Cytogenetic location: 5q31.3.
Variant type: single nucleotide variant.
Coding change: c.1490A>C on transcript NM_002109.6 (MANE Select); coding-DNA position 1490, A replaced by C.
Protein change: p.Glu497Ala; replaces glutamic acid 497 with alanine.
Molecular consequence: missense variant.
Genome position (GRCh38, 1-based): chr5:140,674,297, T>G on the plus strand (A>C on the coding strand, the complement: HARS1 is on the minus strand). VCF-style: chr5-140674297-T-G. GRCh37 (hg19) VCF-style: chr5-140053882-T-G.
Other names: c.1370A>C, p.Glu457Ala (NM_001258040.3); c.1430A>C, p.Glu477Ala (NM_001258041.3); c.1310A>C, p.Glu437Ala (NM_001258042.3); c.1268A>C, p.Glu423Ala (NM_001289092.2); c.1148A>C, p.Glu383Ala (NM_001289093.2); c.1403A>C, p.Glu468Ala (NM_001289094.2); short protein forms E383A, E423A, E437A, E457A, E468A, E477A, E497A.
Identifiers: ClinVar variation 1680282 (VCV001680282.6), dbSNP rs1758219575, ClinGen allele CA361245602.

ClinVar aggregate classification (germline): Uncertain significance (1 of 4 stars; one submission).

Conditions:
Usher syndrome type 3B. Also called: USHER SYNDROME, TYPE IIIB. Identifiers: MedGen C3281066, MONDO:0013788, OMIM 614504.

Allele frequency attached by ClinVar (database versions not stated): TOPMed below 0.00001; gnomAD 0.00001.
gnomAD v4.1: 1 of 1,612,396 alleles (0.000062%); highest among the groups gnomAD compares: Admixed American, 0.0017%; no homozygotes.

Submission:

Labcorp Genetics (formerly Invitae), Labcorp
Classification: Uncertain significance for Usher syndrome type 3B. Last evaluated: 2022-10-05. Review status: criteria provided, single submitter. Criteria: Invitae Variant Classification Sherloc (09022015). Collection method: clinical testing. Allele origin: germline.
Comment: In summary, the available evidence is currently insufficient to determine the role of this variant in disease. Therefore, it has been classified as a Variant of Uncertain Significance. Advanced modeling of protein sequence and biophysical properties (such as structural, functional, and spatial information, amino acid conservation, physicochemical variation, residue mobility, and thermodynamic stability) performed at Invitae indicates that this missense variant is not expected to disrupt HARS protein function. ClinVar contains an entry for this variant (Variation ID: 1680282). This variant has not been reported in the literature in individuals affected with HARS-related conditions. This variant is not present in population databases (gnomAD no frequency). This sequence change replaces glutamic acid, which is acidic and polar, with alanine, which is neutral and non-polar, at codon 497 of the HARS protein (p.Glu497Ala).